The following is an entry in ClinVar:

ClinVar aggregate classification (germline): Uncertain significance (1 of 4 stars; one submission).

Allele frequency attached by ClinVar (database versions not stated): gnomAD exomes below 0.00001; gnomAD 0.00001; TOPMed 0.00002.
gnomAD v4.1: 5 of 1,613,958 alleles (0.00031%); highest among the groups gnomAD compares: Non-Finnish European, 0.00025%; no homozygotes.

Submission:

Women's Health and Genetics/Laboratory Corporation of America, LabCorp
Classification: Uncertain significance. Last evaluated: 2023-06-29. Review status: criteria provided, single submitter. Criteria: LabCorp Variant Classification Summary - May 2015. Collection method: clinical testing. Allele origin: germline.
Comment: Variant summary: TRIO c.5926G>C (p.Glu1976Gln) results in a conservative amino acid change located in the Dbl homology (DH) domain (IPR000219) of the encoded protein sequence. Four of five in-silico tools predict a damaging effect of the variant on protein function. The variant allele was found at a frequency of 4e-06 in 251302 control chromosomes (gnomAD). The available data on variant occurrences in the general population are insufficient to allow any conclusion about variant significance. To our knowledge, no occurrence of c.5926G>C in individuals affected with TRIO-Related Intellectual Disability and no experimental evidence demonstrating its impact on protein function have been reported. No submitters have cited clinical-significance assessments for this variant to ClinVar after 2014. Based on the evidence outlined above, the variant was classified as uncertain significance.

NM_007118.4(TRIO):c.5926G>C (p.Glu1976Gln)

Gene: TRIO (trio Rho guanine nucleotide exchange factor; plus strand). Cytogenetic location: 5p15.2.
Variant type: single nucleotide variant.
Coding change: c.5926G>C on transcript NM_007118.4 (MANE Select); coding-DNA position 5926, G replaced by C.
Protein change: p.Glu1976Gln; replaces glutamic acid 1976 with glutamine.
Molecular consequence: missense variant. On other transcripts: non-coding transcript variant (1).
Genome position (GRCh38, 1-based): chr5:14,472,605, G>C. VCF-style: chr5-14472605-G-C. GRCh37 (hg19) VCF-style: chr5-14472714-G-C.
Other names: short protein forms E1976Q.
Identifiers: ClinVar variation 2573556 (VCV002573556.1), dbSNP rs952144832, ClinGen allele CA114001664.
Genomic context (GRCh38, chr5:14,472,605, plus strand): 5'-TCATTTAGAAAACAGTTTGCATGATAAACAATATTTTTTCTCTCCAGCTACGTTTTGCAA[G>C]AACTAGTGGAGACAGAGCGTGACTATGTGCGGGACCTTGGCTATGTGGTTGAGGTGTGTA-3'
Protein context (NP_009049.2, residues 1966-1986): SLKRRHYVLQ[Glu1976Gln]LVETERDYVR